The following is an entry in ClinVar:

ClinVar aggregate classification (germline): Uncertain significance (1 of 4 stars; one submission).

Conditions:
Saldino-Mainzer syndrome (SRTD9). Also called: CONORENAL SYNDROME; Renal dysplasia, retinal pigmentary dystrophy, cerebellar ataxia and skeletal dysplasia; SHORT-RIB THORACIC DYSPLASIA 9 WITHOUT POLYDACTYLY; short-rib thoracic dysplasia 9 with or without polydactyly. Identifiers: Orphanet 140969, MedGen C1849437, MONDO:0009964, OMIM 266920.

gnomAD v4.1: 1 of 1,610,564 alleles (0.000062%); highest among the groups gnomAD compares: Non-Finnish European, 0.000085%; no homozygotes.

Submission:

Labcorp Genetics (formerly Invitae), Labcorp
Classification: Uncertain significance for Saldino-Mainzer syndrome. Last evaluated: 2023-08-17. Review status: criteria provided, single submitter. Criteria: Invitae Variant Classification Sherloc (09022015). Collection method: clinical testing. Allele origin: germline.
Comment: In summary, the available evidence is currently insufficient to determine the role of this variant in disease. Therefore, it has been classified as a Variant of Uncertain Significance. Advanced modeling of protein sequence and biophysical properties (such as structural, functional, and spatial information, amino acid conservation, physicochemical variation, residue mobility, and thermodynamic stability) has been performed at Invitae for this missense variant, however the output from this modeling did not meet the statistical confidence thresholds required to predict the impact of this variant on IFT140 protein function. This variant has not been reported in the literature in individuals affected with IFT140-related conditions. This variant is not present in population databases (gnomAD no frequency). This sequence change replaces cysteine, which is neutral and slightly polar, with tyrosine, which is neutral and polar, at codon 329 of the IFT140 protein (p.Cys329Tyr).

NM_014714.4(IFT140):c.986G>A (p.Cys329Tyr)

Genes: IFT140 (intraflagellar transport 140; minus strand), LOC105371046 (uncharacterized LOC105371046; plus strand). Cytogenetic location: 16p13.3.
Variant type: single nucleotide variant.
Coding change: c.986G>A on transcript NM_014714.4 (MANE Select); coding-DNA position 986, G replaced by A.
Protein change: p.Cys329Tyr; replaces cysteine 329 with tyrosine.
Molecular consequence: missense variant.
Genome position (GRCh38, 1-based): chr16:1,587,221, C>T on the plus strand (G>A on the coding strand, the complement: IFT140 is on the minus strand). VCF-style: chr16-1587221-C-T. GRCh37 (hg19) VCF-style: chr16-1637222-C-T.
Other names: short protein forms C329Y.
Identifiers: ClinVar variation 2846683 (VCV002846683.3), dbSNP rs898824836, ClinGen allele CA276682090.
Genomic context (GRCh38, chr16:1,587,221, plus strand): 5'-GGTTCTGTTTCTCTTGTGCCAGGCCAGGAAGCCTCACCTTTGACTTTACAGTAACACACA[C>T]AGTTCATATTCTCTCCTTTCTCAAAGCCAAACTTCTCATCTGGACTCAGTATATAATTCT-3'
Protein context (NP_055529.2, residues 319-339): FGFEKGENMN[Cys329Tyr]VCYCKVKGLL